The following is an entry in ClinVar:

NM_018834.6(MATR3):c.562A>G (p.Ser188Gly)

Gene: MATR3 (matrin 3; plus strand). Cytogenetic location: 5q31.2.
Variant type: single nucleotide variant.
Coding change: c.562A>G on transcript NM_018834.6 (MANE Select); coding-DNA position 562, A replaced by G.
Protein change: p.Ser188Gly; replaces serine 188 with glycine.
Molecular consequence: missense variant. On other transcripts: intron variant (11).
Genome position (GRCh38, 1-based): chr5:139,307,977, A>G. VCF-style: chr5-139307977-A-G. GRCh37 (hg19) VCF-style: chr5-138643666-A-G.
Other names: c.562A>G, p.Ser188Gly (NM_001194954.2, NM_001194955.2, NM_001400441.1 and 16 more transcripts); c.52-6698A>G (NM_001400459.1); c.-102-6698A>G (NM_001400463.1, NM_001400460.1, NM_001282278.2 and 3 more transcripts); c.-40-7720A>G (NM_001400462.1, NM_001400467.1); c.13-6698A>G (NM_001400461.1); c.49-6698A>G (NM_001194956.2); short protein forms S188G.
Identifiers: ClinVar variation 4700490 (VCV004700490.1).

ClinVar aggregate classification (germline): Uncertain significance (1 of 4 stars; one submission).

Conditions:
Amyotrophic lateral sclerosis type 21. Also called: VOCAL CORD AND PHARYNGEAL DYSFUNCTION WITH DISTAL MYOPATHY; MYOPATHY, DISTAL, 2. Identifiers: Orphanet 600, Orphanet 803, MedGen C3807521, MONDO:0011632, OMIM 606070.

Submission:

Labcorp Genetics (formerly Invitae), Labcorp
Classification: Uncertain significance for Amyotrophic lateral sclerosis type 21. Last evaluated: 2025-05-24. Review status: criteria provided, single submitter. Criteria: Invitae Variant Classification Sherloc (09022015). Collection method: clinical testing. Allele origin: germline.
Comment: This sequence change replaces serine, which is neutral and polar, with glycine, which is neutral and non-polar, at codon 188 of the MATR3 protein (p.Ser188Gly). This variant is not present in population databases (gnomAD no frequency). This variant has not been reported in the literature in individuals affected with MATR3-related conditions. Invitae Evidence Modeling of protein sequence and biophysical properties (such as structural, functional, and spatial information, amino acid conservation, physicochemical variation, residue mobility, and thermodynamic stability) indicates that this missense variant is not expected to disrupt MATR3 protein function with a negative predictive value of 80%. In summary, the available evidence is currently insufficient to determine the role of this variant in disease. Therefore, it has been classified as a Variant of Uncertain Significance.